The following is an entry in ClinVar:

NM_000059.4(BRCA2):c.5198C>T (p.Ser1733Phe)

Gene: BRCA2 (BRCA2 DNA repair associated; plus strand). Cytogenetic location: 13q13.1.
Variant type: single nucleotide variant.
Coding change: c.5198C>T on transcript NM_000059.4 (MANE Select); coding-DNA position 5198, C replaced by T.
Protein change: p.Ser1733Phe; replaces serine 1733 with phenylalanine.
Molecular consequence: missense variant.
Genome position (GRCh38, 1-based): chr13:32,339,553, C>T. VCF-style: chr13-32339553-C-T. GRCh37 (hg19) VCF-style: chr13-32913690-C-T.
Other names: p.S1733F:TCC>TTC; 5426C>T; NP_000050.3:p.Ser1733Phe; short protein forms S1733F.
Identifiers: ClinVar variation 37950 (VCV000037950.108), dbSNP rs55639415, ClinGen allele CA021665.
Genomic context (GRCh38, chr13:32,339,553, plus strand): 5'-ATTATTTGTATGAAAATAATTCAAACAGTACTATAGCTGAAAATGACAAAAATCATCTCT[C>T]CGAAAAACAAGATACTTATTTAAGTAACAGTAGCATGTCTAACAGCTATTCCTACCATTC-3'
Protein context (NP_000050.3, residues 1723-1743): TIAENDKNHL[Ser1733Phe]EKQDTYLSNS

ClinVar aggregate classification (germline): Benign. Review status: reviewed by expert panel (3 of 4 stars). 36 submissions from 33 submitters: Benign (1). 35 of the submissions do not count toward it. Last evaluated 2015-08-10.

Conditions:
Inherited prostate cancer.
BRCA2-related disorder. Also called: BRCA2-related condition; BRCA2-related disorders. Identifiers: MedGen CN239275.
Wilms tumor 1 (WT1). Also called: Wilms tumor, somatic. Identifiers: Orphanet 654, MedGen CN033288, MONDO:0008679, OMIM 194070.
Medulloblastoma (MDB). Also called: Medulloblastoma, somatic; MEDULLOBLASTOMA PREDISPOSITION SYNDROME. Identifiers: Orphanet 616, MedGen C0025149, MeSH D008527, MONDO:0007959, OMIM 155255, HP:0002885.
Breast-ovarian cancer, familial, susceptibility to, 2 (BROVCA2). Also called: BRCA2 Hereditary Breast and Ovarian Cancer. Identifiers: Orphanet 145, MedGen C2675520, MONDO:0012933, OMIM 612555. Disease mechanism: loss of function.
Familial cancer of breast. Also called: Hereditary breast cancer; hereditary breast carcinoma; BREAST CANCER, FAMILIAL. Identifiers: Orphanet 227535, MedGen C0346153, MONDO:0016419, OMIM 114480. Disease mechanism: loss of function.
Glioma susceptibility 3 (GLM3). Also called: Glioblastoma 3. Identifiers: Orphanet 182067, Orphanet 360, MedGen C2751641, MONDO:0013093, OMIM 613029.
Pancreatic cancer, susceptibility to, 2. Identifiers: Orphanet 1333, MedGen C3150546, MONDO:0013235, OMIM 613347.
Prostate cancer. Also called: Malignant tumor of prostate. Identifiers: Orphanet 1331, MedGen C0376358, MONDO:0008315, HP:0012125.
Fanconi anemia complementation group D1. Also called: BRCA2-Related Fanconi Anemia. Identifiers: Orphanet 319462, MedGen C1838457, MONDO:0011584, OMIM 605724.
BRCA2-related cancer predisposition. Identifiers: MedGen CN377758, MONDO:0700269.
Breast and/or ovarian cancer. Identifiers: MedGen CN221562.
Hereditary cancer-predisposing syndrome. Also called: Neoplastic Syndromes, Hereditary; Hereditary neoplastic syndrome; Hereditary Cancer Syndrome; Tumor predisposition. Identifiers: Orphanet 140162, MedGen C0027672, MeSH D009386, MONDO:0015356.
Hereditary breast ovarian cancer syndrome. Also called: Hereditary breast and ovarian cancer syndrome (HBOC); Breast and ovarian cancer; BRCA1- and BRCA2-Associated Hereditary Breast and Ovarian Cancer; Hereditary breast and ovarian cancer syndrome; Hereditary breast and ovarian cancer; Hereditary breast and/or ovarian cancer syndrome. Identifiers: Orphanet 145, MedGen C0677776, MeSH D061325, MONDO:0003582. Disease mechanism: loss of function.
Malignant tumor of breast. Also called: Malignant breast neoplasm; Cancer breast. Identifiers: MedGen C0006142, MONDO:0007254. Disease mechanism: loss of function.

Allele frequency attached by ClinVar (database versions not stated): gnomAD exomes 0.00022 and 0.00043; gnomAD 0.00069 and 0.00070; TOPMed 0.00087; 1000 Genomes Project 30x 0.00203; ESP Exome Variant Server 0.00108; ExAC 0.00047; 1000 Genomes Project 0.00180.
gnomAD v4.1: 450 of 1,607,336 alleles (0.028%); highest among the groups gnomAD compares: African/African-American, 0.29%; 2 homozygotes.

Submissions 1 to 18 of 36:

Evidence-based Network for the Interpretation of Germline Mutant Alleles (ENIGMA)
Classification: Benign for Breast-ovarian cancer, familial 2. Last evaluated: 2015-08-10. Review status: reviewed by expert panel. Criteria: ENIGMA BRCA1/2 Classification Criteria (2015). Collection method: curation. Allele origin: germline.
Comment: IARC class based on posterior probability from multifactorial likelihood analysis, thresholds for class as per Plon et al. 2008 (PMID: 18951446). Class 1 based on posterior probability = 0.000000000153

CeGaT Center for Human Genetics Tuebingen
Classification: Likely benign. Last evaluated: 2026-09-01. Review status: criteria provided, single submitter. Criteria: CeGaT Center For Human Genetics Tuebingen Variant Classification Criteria Version 2. Collection method: clinical testing. Allele origin: germline. Affected: yes. Observed: 8 variant alleles. Not counted in ClinVar's aggregate classification.
Comment: BRCA2: BP4

Cambridge Genomics Laboratory, East Genomic Laboratory Hub, NHS Genomic Medicine Service
Classification: Benign for Inherited prostate cancer. Last evaluated: 2026-06-02. Review status: criteria provided, single submitter. Criteria: ACGS Best Practice Guidelines for Variant Classification in Rare Disease 2020. Collection method: clinical testing. Allele origin: germline. Affected: yes. Not counted in ClinVar's aggregate classification.
Comment: BS1_Strong,BP1_Strong,BP4,BP5_Very Strong

Labcorp Genetics (formerly Invitae), Labcorp
Classification: Benign for Hereditary breast ovarian cancer syndrome. Last evaluated: 2026-02-03. Review status: criteria provided, single submitter. Criteria: Invitae Variant Classification Sherloc (09022015). Collection method: clinical testing. Allele origin: germline. Not counted in ClinVar's aggregate classification.

Dasa
Classification: Benign for Breast-ovarian cancer, familial, susceptibility to, 2. Last evaluated: 2025-12-29. Review status: criteria provided, single submitter. Criteria: DASA Assertion Criteria. Collection method: clinical testing. Allele origin: germline. Not counted in ClinVar's aggregate classification.
Comment: NM_000059.4(BRCA2):c.5198C>T (p.Ser1733Phe) is a missense variant that results in the substitution of serine with phenylalanine. Population frequency is inconsistent with a disease-causing role for this variant. Therefore, based on the currently available evidence, this variant is classified as benign.

ARUP Laboratories, Molecular Genetics and Genomics, ARUP Laboratories
Classification: Benign. Last evaluated: 2025-06-12. Review status: criteria provided, single submitter. Criteria: ARUP Molecular Germline Variant Investigation Process 2024. Collection method: clinical testing. Allele origin: germline. Not counted in ClinVar's aggregate classification.

Center for Genomic Medicine, Rigshospitalet, Copenhagen University Hospital
Classification: Benign. Last evaluated: 2025-03-04. Review status: criteria provided, single submitter. Criteria: ACMG Guidelines, 2015. Collection method: clinical testing. Allele origin: germline. Not counted in ClinVar's aggregate classification.

KCCC/NGS Laboratory, Kuwait Cancer Control Center
Classification: Benign for Familial cancer of breast. Last evaluated: 2025-02-01. Review status: criteria provided, single submitter. Criteria: ACMG Guidelines, 2015. Collection method: clinical testing. Allele origin: germline. Affected: no. Not counted in ClinVar's aggregate classification.

Blueprint Genetics
Classification: Likely benign. Last evaluated: 2024-11-14. Review status: criteria provided, single submitter. Criteria: ACMG Guidelines, 2015. Collection method: clinical testing. Allele origin: germline. Not counted in ClinVar's aggregate classification.

All of Us Research Program, National Institutes of Health
Classification: Likely benign for BRCA2-related cancer predisposition. Last evaluated: 2024-09-24. Review status: criteria provided, single submitter. Criteria: ACMG Guidelines, 2015. Collection method: clinical testing. Allele origin: germline. Inheritance: Autosomal dominant inheritance. Observed: 107 variant alleles, 107 heterozygotes. Not counted in ClinVar's aggregate classification.
Comment: This study involves interpretation of variants in research participants for the purpose of population health screening. Participant phenotype was not available at the time of variant classification. Additional details can be found in publication PMID: 35346344, PMCID: PMC8962531

KCCC/NGS Laboratory, Kuwait Cancer Control Center
Classification: Benign for Breast-ovarian cancer, familial, susceptibility to, 2. Last evaluated: 2023-07-07. Review status: criteria provided, single submitter. Criteria: ACMG Guidelines, 2015. Collection method: clinical testing. Allele origin: germline. Affected: yes. Not counted in ClinVar's aggregate classification.

CHEO Genetics Diagnostic Laboratory, Children's Hospital of Eastern Ontario
Classification: Likely benign for Breast and/or ovarian cancer. Last evaluated: 2023-05-01. Review status: criteria provided, single submitter. Criteria: ACMG Guidelines, 2015. Collection method: clinical testing. Allele origin: germline. Not counted in ClinVar's aggregate classification.

National Health Laboratory Service, Universitas Academic Hospital and University of the Free State
Classification: Benign for Hereditary breast ovarian cancer syndrome. Last evaluated: 2022-04-19. Review status: criteria provided, single submitter. Criteria: ACMG Guidelines, 2015. Collection method: clinical testing. Allele origin: germline. Affected: yes. Observed: 25 variant alleles. Not counted in ClinVar's aggregate classification.

Fulgent Genetics
Classification: Likely benign for Familial cancer of breast; Medulloblastoma; Familial prostate cancer; Wilms tumor 1; Fanconi anemia complementation group D1; Breast-ovarian cancer, familial, susceptibility to, 2; Glioma susceptibility 3; Pancreatic cancer, susceptibility to, 2. Last evaluated: 2022-03-22. Review status: criteria provided, single submitter. Criteria: ACMG Guidelines, 2015. Collection method: clinical testing. Allele origin: unknown. Not counted in ClinVar's aggregate classification.

Sema4
Classification: Benign for Hereditary cancer-predisposing syndrome. Last evaluated: 2020-08-11. Review status: criteria provided, single submitter. Criteria: Sema4 Curation Guidelines. Collection method: curation. Allele origin: germline. Not counted in ClinVar's aggregate classification.

Eurofins Ntd Llc (ga)
Classification: Uncertain significance. Last evaluated: 2018-03-12. Review status: criteria provided, single submitter. Criteria: EGL ClinVar v180209 classification definitions. Collection method: clinical testing. Allele origin: germline. Observed: 2 variant alleles, 2 heterozygotes. Not counted in ClinVar's aggregate classification.

Institute for Biomarker Research, Medical Diagnostic Laboratories, L.L.C.
Classification: Likely benign for Hereditary cancer-predisposing syndrome. Last evaluated: 2018-01-16. Review status: criteria provided, single submitter. Criteria: ACMG Guidelines, 2015. Collection method: clinical testing. Allele origin: germline. Not counted in ClinVar's aggregate classification.

Illumina Laboratory Services, Illumina
Classification: Uncertain significance for Fanconi anemia complementation group D1. Last evaluated: 2018-01-13. Review status: criteria provided, single submitter. Criteria: ICSL Variant Classification Criteria 13 December 2019. Collection method: clinical testing. Allele origin: germline. Not counted in ClinVar's aggregate classification.